The following is an entry in ClinVar:

ClinVar aggregate classification (germline): Conflicting classifications of pathogenicity. Review status: criteria provided, conflicting classifications (1 of 4 stars). 3 submissions from 3 submitters: Uncertain significance (1); Likely benign (2). Last evaluated 2025-09-22.

Conditions:
CACNA1H-related disorder.
Idiopathic generalized epilepsy. Also called: Generalised epilepsy; EIG. Identifiers: MedGen C0270850, MONDO:0005579, OMIM 600669.
Hyperaldosteronism, familial, type IV (HALD4). Also called: FH IV; ALDOSTERONISM, PRIMARY, AND HYPERTENSION. Identifiers: Orphanet 642671, MedGen C4310756, MONDO:0014875, OMIM 617027.

Allele frequency attached by ClinVar (database versions not stated): gnomAD exomes 0.00005 and 0.00009; ESP Exome Variant Server 0.00008; ExAC 0.00010; TOPMed 0.00022; 1000 Genomes Project 30x 0.00094; 1000 Genomes Project 0.00120.

Submissions (3):

Labcorp Genetics (formerly Invitae), Labcorp
Classification: Likely benign for Idiopathic generalized epilepsy; Hyperaldosteronism, familial, type IV. Last evaluated: 2025-09-22. Review status: criteria provided, single submitter. Criteria: Invitae Variant Classification Sherloc (09022015). Collection method: clinical testing. Allele origin: germline.

Blueprint Genetics
Classification: Likely benign. Last evaluated: 2024-10-09. Review status: criteria provided, single submitter. Criteria: ACMG Guidelines, 2015. Collection method: clinical testing. Allele origin: germline.

PreventionGenetics, part of Exact Sciences
Classification: Uncertain significance for CACNA1H-related condition. Last evaluated: 2023-10-02. Review status: criteria provided, single submitter. Criteria: ACMG Guidelines, 2015. Collection method: clinical testing. Allele origin: germline.
Comment: The CACNA1H c.2203C>T variant is predicted to result in the amino acid substitution p.Arg735Trp. To our knowledge, this variant has not been reported in the literature. This variant is reported in 0.089% of alleles in individuals of African descent in gnomAD. Although we suspect that this variant may be benign, at this time, the clinical significance of this variant is uncertain due to the absence of conclusive functional and genetic evidence.

NM_021098.3(CACNA1H):c.2203C>T (p.Arg735Trp)

Gene: CACNA1H (calcium voltage-gated channel subunit alpha1 H; plus strand). Cytogenetic location: 16p13.3.
Variant type: single nucleotide variant.
Coding change: c.2203C>T on transcript NM_021098.3 (MANE Select); coding-DNA position 2203, C replaced by T.
Protein change: p.Arg735Trp; replaces arginine 735 with tryptophan.
Molecular consequence: missense variant.
Genome position (GRCh38, 1-based): chr16:1,204,210, C>T. VCF-style: chr16-1204210-C-T. GRCh37 (hg19) VCF-style: chr16-1254210-C-T.
Other names: c.2203C>T, p.Arg735Trp (NM_001005407.2); short protein forms R735W.
Identifiers: ClinVar variation 738339 (VCV000738339.12), dbSNP rs191938566, ClinGen allele CA7800148.